The following is an entry in ClinVar:

ClinVar aggregate classification (germline): Uncertain significance (1 of 4 stars; one submission).

Conditions:
Inborn genetic diseases. Identifiers: MedGen C0950123, MeSH D030342.

gnomAD v4.1: 1 of 1,613,696 alleles (0.000062%); highest among the groups gnomAD compares: Non-Finnish European, 0.000085%; no homozygotes.

Submission:

Ambry Genetics
Classification: Uncertain significance for Inborn genetic diseases. Last evaluated: 2026-06-24. Review status: criteria provided, single submitter. Criteria: Ambry Variant Classification Scheme 2023. Collection method: clinical testing. Allele origin: germline.
Comment: The p.A1030T variant (also known as c.3088G>A), located in coding exon 14 of the MECOM gene, results from a G to A substitution at nucleotide position 3088. The alanine at codon 1030 is replaced by threonine, an amino acid with similar properties. This amino acid position is conserved. In addition, this alteration is predicted to be tolerated by in silico analysis. Based on the available evidence, the clinical significance of this variant remains unclear.

NM_004991.4(MECOM):c.3088G>A (p.Ala1030Thr)

Gene: MECOM (MDS1 and EVI1 complex locus; minus strand). Cytogenetic location: 3q26.2.
Variant type: single nucleotide variant.
Coding change: c.3088G>A on transcript NM_004991.4 (MANE Select); coding-DNA position 3088, G replaced by A.
Protein change: p.Ala1030Thr; replaces alanine 1030 with threonine.
Molecular consequence: missense variant.
Genome position (GRCh38, 1-based): chr3:169,093,034, C>T on the plus strand (G>A on the coding strand, the complement: MECOM is on the minus strand). VCF-style: chr3-169093034-C-T. GRCh37 (hg19) VCF-style: chr3-168810822-C-T.
Other names: c.3061G>A, p.Ala1021Thr (NM_001366466.2); c.2527G>A, p.Ala843Thr (NM_001366467.2, NM_001366468.2); c.2524G>A, p.Ala842Thr (NM_001366469.2, NM_005241.4, NM_001105078.4 and 1 more transcripts); c.2500G>A, p.Ala834Thr (NM_001366470.2, NM_001163999.2); c.2497G>A, p.Ala833Thr (NM_001366471.2, NM_001366472.2, NM_001164000.2); c.2089G>A, p.Ala697Thr (NM_001366473.2); c.1525G>A, p.Ala509Thr (NM_001366474.2); c.2719G>A, p.Ala907Thr (NM_001105077.4); short protein forms A833T, A843T, A1030T, A509T, A834T, A907T, A697T, A842T.
Identifiers: ClinVar variation 5024117 (VCV005024117.1).